The following is an entry in ClinVar:

NM_017777.4(MKS1):c.478G>A (p.Ala160Thr)

Gene: MKS1 (MKS transition zone complex subunit 1; minus strand). Cytogenetic location: 17q22.
Variant type: single nucleotide variant.
Coding change: c.478G>A on transcript NM_017777.4 (MANE Select); coding-DNA position 478, G replaced by A.
Protein change: p.Ala160Thr; replaces alanine 160 with threonine.
Molecular consequence: missense variant. On other transcripts: intron variant (1).
Genome position (GRCh38, 1-based): chr17:58,214,778, C>T on the plus strand (G>A on the coding strand, the complement: MKS1 is on the minus strand). VCF-style: chr17-58214778-C-T. GRCh37 (hg19) VCF-style: chr17-56292139-C-T.
Other names: c.478G>A, p.Ala160Thr (NM_001321269.2, NM_001330397.2, NM_001411113.1); c.-94-391G>A (NM_001321268.2); short protein forms A160T.
Identifiers: ClinVar variation 1902818 (VCV001902818.3), dbSNP rs761830955, ClinGen allele CA8669509.
Genomic context (GRCh38, chr17:58,214,778, plus strand): 5'-CCCCATCCCATGCCCGCACTCACATCCCTCGCCTGTCCTGCCGGCGACGCCTGACATTTG[C>T]CATTCGCTCGACCAAGAATGAAGGCACCTCGCTGGCTGCAGTGGTCATTCTCTGACAGTG-3'
Protein context (NP_060247.2, residues 150-170): EVPSFLVERM[Ala160Thr]NVRRRRQDRR

ClinVar aggregate classification (germline): Uncertain significance. Review status: criteria provided, multiple submitters, no conflicts (2 of 4 stars). 2 submissions from 2 submitters: Uncertain significance (2). Last evaluated 2022-06-25.

Conditions:
Joubert syndrome. Also called: Familial aplasia of the vermis; JOUBERT-BOLTSHAUSER SYNDROME. Identifiers: Orphanet 475, MedGen C5979921, MONDO:0018772.
Meckel-Gruber syndrome. Also called: DYSENCEPHALIA SPLANCHNOCYSTICA; GRUBER SYNDROME; Dysencephalia splachnocystica. Identifiers: Orphanet 564, MedGen C0265215, MONDO:0018921.

Allele frequency attached by ClinVar (database versions not stated): ExAC 0.00002; TOPMed 0.00002; gnomAD exomes 0.00003; gnomAD 0.00004.

Submissions (2):

Labcorp Genetics (formerly Invitae), Labcorp
Classification: Uncertain significance for Joubert syndrome; Meckel-Gruber syndrome. Last evaluated: 2022-06-25. Review status: criteria provided, single submitter. Criteria: Invitae Variant Classification Sherloc (09022015). Collection method: clinical testing. Allele origin: germline.
Comment: This sequence change replaces alanine, which is neutral and non-polar, with threonine, which is neutral and polar, at codon 160 of the MKS1 protein (p.Ala160Thr). The frequency data for this variant in the population databases is considered unreliable, as metrics indicate poor data quality at this position in the gnomAD database. This variant has not been reported in the literature in individuals affected with MKS1-related conditions. Advanced modeling of protein sequence and biophysical properties (such as structural, functional, and spatial information, amino acid conservation, physicochemical variation, residue mobility, and thermodynamic stability) performed at Invitae indicates that this missense variant is not expected to disrupt MKS1 protein function. In summary, the available evidence is currently insufficient to determine the role of this variant in disease. Therefore, it has been classified as a Variant of Uncertain Significance.

Blueprint Genetics
Classification: Uncertain significance. Last evaluated: 2020-01-08. Review status: criteria provided, single submitter. Criteria: ACMG Guidelines, 2015. Collection method: clinical testing. Allele origin: germline.